The following is an entry in ClinVar:

NM_002693.3(POLG):c.1750G>T (p.Ala584Ser)

Gene: POLG (DNA polymerase gamma, catalytic subunit; minus strand). Cytogenetic location: 15q26.1.
Variant type: single nucleotide variant.
Coding change: c.1750G>T on transcript NM_002693.3 (MANE Select); coding-DNA position 1750, G replaced by T.
Protein change: p.Ala584Ser; replaces alanine 584 with serine.
Molecular consequence: missense variant.
Genome position (GRCh38, 1-based): chr15:89,325,649, C>A on the plus strand (G>T on the coding strand, the complement: POLG is on the minus strand). VCF-style: chr15-89325649-C-A. GRCh37 (hg19) VCF-style: chr15-89868880-C-A.
Other names: c.1750G>T, p.Ala584Ser (NM_001126131.2); short protein forms A584S.
Identifiers: ClinVar variation 1717867 (VCV001717867.6), dbSNP rs1299015238, ClinGen allele CA393759440.

ClinVar aggregate classification (germline): Uncertain significance (1 of 4 stars; one submission).

Conditions:
Progressive sclerosing poliodystrophy (MTDPS4A). Also called: NEURONAL DEGENERATION OF CHILDHOOD WITH LIVER DISEASE, PROGRESSIVE; Alpers Syndrome; ALPERS DIFFUSE DEGENERATION OF CEREBRAL GRAY MATTER WITH HEPATIC CIRRHOSIS; Alpers-Huttenlocher Syndrome; Mitochondrial DNA Depletion Syndrome 4A; Alpers-Huttenlocher Syndrome (AHS). Identifiers: Orphanet 726, MedGen C0205710, MONDO:0008758, OMIM 203700.

Submission:

Labcorp Genetics (formerly Invitae), Labcorp
Classification: Uncertain significance for Progressive sclerosing poliodystrophy. Last evaluated: 2022-08-23. Review status: criteria provided, single submitter. Criteria: Invitae Variant Classification Sherloc (09022015). Collection method: clinical testing. Allele origin: germline.
Comment: In summary, the available evidence is currently insufficient to determine the role of this variant in disease. Therefore, it has been classified as a Variant of Uncertain Significance. Algorithms developed to predict the effect of missense changes on protein structure and function (SIFT, PolyPhen-2, Align-GVGD) all suggest that this variant is likely to be tolerated. This variant has not been reported in the literature in individuals affected with POLG-related conditions. This variant is not present in population databases (gnomAD no frequency). This sequence change replaces alanine, which is neutral and non-polar, with serine, which is neutral and polar, at codon 584 of the POLG protein (p.Ala584Ser).